The following is an entry in ClinVar:

NM_032043.3(BRIP1):c.96del (p.Leu33fs)

Gene: BRIP1 (BRCA1 interacting DNA helicase 1; minus strand). Cytogenetic location: 17q23.2.
Variant type: Deletion.
Coding change: c.96del on transcript NM_032043.3 (MANE Select); coding-DNA position 96, one base deleted (T; older notation c.96delT).
Protein change: p.Leu33fs; shifts the reading frame from leucine 33.
Molecular consequence: frameshift variant.
Genome position (GRCh38, 1-based): chr17:61,859,905, A deleted on the plus strand (T on the coding strand, the reverse complement: BRIP1 is on the minus strand); the first of 2 consecutive A bases (chr17:61,859,905-61,859,906); deleting either gives the same sequence. VCF-style (leftmost placement, unchanged base first): chr17-61859904-GA-G. GRCh37 (hg19) VCF-style: chr17-59937265-GA-G.
Other names: c.96delT (NM_032043.2); short protein forms L33fs.
Identifiers: ClinVar variation 640740 (VCV000640740.11), dbSNP rs1603367753, ClinGen allele CA915950674.

ClinVar aggregate classification (germline): Pathogenic. Review status: criteria provided, multiple submitters, no conflicts (2 of 4 stars). 3 submissions from 3 submitters: Pathogenic (3). Last evaluated 2024-09-25.

Conditions:
Hereditary cancer-predisposing syndrome. Also called: Neoplastic Syndromes, Hereditary; Hereditary Cancer Syndrome; Hereditary neoplastic syndrome; Tumor predisposition. Identifiers: Orphanet 140162, MedGen C0027672, MeSH D009386, MONDO:0015356.
Familial cancer of breast. Also called: hereditary breast carcinoma; BREAST CANCER, FAMILIAL; Hereditary breast cancer. Identifiers: Orphanet 227535, MedGen C0346153, MONDO:0016419, OMIM 114480. Disease mechanism: loss of function.
Fanconi anemia complementation group J. Also called: BRIP1-Related Fanconi Anemia. Identifiers: Orphanet 84, MedGen C1836860, MONDO:0012187, OMIM 609054.

Submissions (3):

Ambry Genetics
Classification: Pathogenic for Hereditary cancer-predisposing syndrome. Last evaluated: 2024-09-25. Review status: criteria provided, single submitter. Criteria: Ambry Variant Classification Scheme 2023. Collection method: clinical testing. Allele origin: germline.
Comment: The c.96delT pathogenic mutation, located in coding exon 2 of the BRIP1 gene, results from a deletion of one nucleotide at nucleotide position 96, causing a translational frameshift with a predicted alternate stop codon (p.L33Sfs*4). This variant is considered to be rare based on population cohorts in the Genome Aggregation Database (gnomAD). This alteration is expected to result in loss of function by premature protein truncation or nonsense-mediated mRNA decay. As such, this alteration is interpreted as a disease-causing mutation.

Myriad Genetics, Inc.
Classification: Pathogenic for Familial cancer of breast. Last evaluated: 2024-02-06. Review status: criteria provided, single submitter. Criteria: Myriad Autosomal Dominant, Autosomal Recessive and X-Linked Classification Criteria (2023). Collection method: clinical testing. Allele origin: unknown.
Comment: This variant is considered pathogenic. This variant creates a frameshift predicted to result in premature protein truncation.

Labcorp Genetics (formerly Invitae), Labcorp
Classification: Pathogenic for Familial cancer of breast; Fanconi anemia complementation group J. Last evaluated: 2022-12-05. Review status: criteria provided, single submitter. Criteria: Invitae Variant Classification Sherloc (09022015). Collection method: clinical testing. Allele origin: germline.
Comment: This sequence change creates a premature translational stop signal (p.Leu33Serfs*4) in the BRIP1 gene. It is expected to result in an absent or disrupted protein product. Loss-of-function variants in BRIP1 are known to be pathogenic (PMID: 16116423, 17033622, 21964575). This variant is not present in population databases (gnomAD no frequency). This variant has not been reported in the literature in individuals affected with BRIP1-related conditions. ClinVar contains an entry for this variant (Variation ID: 640740). For these reasons, this variant has been classified as Pathogenic.

Literature cited by the submitters: PubMed 16116423 (cited by Labcorp Genetics (formerly Invitae), Labcorp); PubMed 17033622 (cited by Labcorp Genetics (formerly Invitae), Labcorp); PubMed 21964575 (cited by Labcorp Genetics (formerly Invitae), Labcorp).